The following is an entry in ClinVar:

ClinVar aggregate classification (germline): Uncertain significance (1 of 4 stars; one submission).

Conditions:
Early Myoclonic Encephalopathy. Identifiers: MedGen C0270855.

Allele frequency attached by ClinVar (database versions not stated): gnomAD exomes 0.00001; TOPMed 0.00001; gnomAD 0.00001.
gnomAD v4.1: 5 of 1,613,948 alleles (0.00031%); highest among the groups gnomAD compares: Admixed American, 0.0067%; no homozygotes.

Submission:

Labcorp Genetics (formerly Invitae), Labcorp
Classification: Uncertain significance for Early Myoclonic Encephalopathy. Last evaluated: 2025-01-19. Review status: criteria provided, single submitter. Criteria: Invitae Variant Classification Sherloc (09022015). Collection method: clinical testing. Allele origin: germline.
Comment: This sequence change replaces isoleucine, which is neutral and non-polar, with valine, which is neutral and non-polar, at codon 129 of the KCND2 protein (p.Ile129Val). This variant is present in population databases (no rsID available, gnomAD 0.009%). This variant has not been reported in the literature in individuals affected with KCND2-related conditions. ClinVar contains an entry for this variant (Variation ID: 645514). Invitae Evidence Modeling of protein sequence and biophysical properties (such as structural, functional, and spatial information, amino acid conservation, physicochemical variation, residue mobility, and thermodynamic stability) indicates that this missense variant is not expected to disrupt KCND2 protein function with a negative predictive value of 95%. In summary, the available evidence is currently insufficient to determine the role of this variant in disease. Therefore, it has been classified as a Variant of Uncertain Significance.

NM_012281.3(KCND2):c.385A>G (p.Ile129Val)

Gene: KCND2 (potassium voltage-gated channel subfamily D member 2; plus strand). Cytogenetic location: 7q31.31.
Variant type: single nucleotide variant.
Coding change: c.385A>G on transcript NM_012281.3 (MANE Select); coding-DNA position 385, A replaced by G.
Protein change: p.Ile129Val; replaces isoleucine 129 with valine.
Molecular consequence: missense variant.
Genome position (GRCh38, 1-based): chr7:120,275,017, A>G. VCF-style: chr7-120275017-A-G. GRCh37 (hg19) VCF-style: chr7-119915071-A-G.
Other names: short protein forms I129V.
Identifiers: ClinVar variation 645514 (VCV000645514.8), dbSNP rs1448870371, ClinGen allele CA369131481.